The following is an entry in ClinVar:

ClinVar aggregate classification (germline): Uncertain significance (1 of 4 stars; one submission).

Submission:

GeneDx
Classification: Uncertain significance. Last evaluated: 2023-12-18. Review status: criteria provided, single submitter. Criteria: GeneDx Variant Classification Process June 2021. Collection method: clinical testing. Allele origin: germline.
Comment: Not observed at significant frequency in large population cohorts (gnomAD); In silico analysis supports that this missense variant has a deleterious effect on protein structure/function; Has not been previously published as pathogenic or benign to our knowledge

NM_020937.4(FANCM):c.1225T>G (p.Phe409Val)

Gene: FANCM (FA complementation group M; plus strand). Cytogenetic location: 14q21.2.
Variant type: single nucleotide variant.
Coding change: c.1225T>G on transcript NM_020937.4 (MANE Select); coding-DNA position 1225, T replaced by G.
Protein change: p.Phe409Val; replaces phenylalanine 409 with valine.
Molecular consequence: missense variant.
Genome position (GRCh38, 1-based): chr14:45,154,738, T>G. VCF-style: chr14-45154738-T-G. GRCh37 (hg19) VCF-style: chr14-45623941-T-G.
Other names: c.1147T>G, p.Phe383Val (NM_001308133.2); c.1225T>G, p.Phe409Val (NM_001308134.2); short protein forms F383V, F409V.
Identifiers: ClinVar variation 2576888 (VCV002576888.2), dbSNP rs2503106196, ClinGen allele CA389591175.